The following is an entry in ClinVar:

NM_021160.3(ABHD16A):c.1191C>T (p.Gly397=)

Gene: ABHD16A (abhydrolase domain containing 16A, phospholipase; minus strand). Cytogenetic location: 6p21.33.
Variant type: single nucleotide variant.
Coding change: c.1191C>T on transcript NM_021160.3 (MANE Select); coding-DNA position 1191, C replaced by T.
Protein change: p.Gly397=; no amino-acid change (glycine 397 retained).
Molecular consequence: synonymous variant. On other transcripts: non-coding transcript variant (2).
Genome position (GRCh38, 1-based): chr6:31,688,782, G>A on the plus strand (C>T on the coding strand, the complement: ABHD16A is on the minus strand). VCF-style: chr6-31688782-G-A. GRCh37 (hg19) VCF-style: chr6-31656559-G-A.
Other names: c.1092C>T, p.Gly364= (NM_001177515.2).
Identifiers: ClinVar variation 3777881 (VCV003777881.7).

ClinVar aggregate classification (germline): Likely benign (1 of 4 stars; one submission).

gnomAD v4.1: 1,114 of 1,612,770 alleles (0.069%); highest among the groups gnomAD compares: Non-Finnish European, 0.089%; 1 homozygote.

Submission:

CeGaT Center for Human Genetics Tuebingen
Classification: Likely benign. Last evaluated: 2026-08-01. Review status: criteria provided, single submitter. Criteria: CeGaT Center For Human Genetics Tuebingen Variant Classification Criteria Version 2. Collection method: clinical testing. Allele origin: germline. Affected: yes. Observed: 2 variant alleles.
Comment: ABHD16A: BP4, BP7